The following is an entry in ClinVar:

ClinVar aggregate classification (germline): Uncertain significance (1 of 4 stars; one submission).

Conditions:
Early-infantile DEE. Also called: Early infantile epileptic encephalopathy with suppression bursts; Early infantile epileptic encephalopathy; Ohtahara syndrome. Identifiers: Orphanet 1934, MedGen C0393706, MONDO:0800491.

Allele frequency attached by ClinVar (database versions not stated): ExAC 0.00001; TOPMed 0.00001.
gnomAD v4.1: 6 of 1,607,300 alleles (0.00037%); highest among the groups gnomAD compares: Non-Finnish European, 0.00051%; no homozygotes.

Submission:

Labcorp Genetics (formerly Invitae), Labcorp
Classification: Uncertain significance for Early-infantile DEE. Last evaluated: 2025-10-10. Review status: criteria provided, single submitter. Criteria: Invitae Variant Classification Sherloc (09022015). Collection method: clinical testing. Allele origin: germline.
Comment: This sequence change replaces glycine, which is neutral and non-polar, with glutamic acid, which is acidic and polar, at codon 456 of the KCNQ2 protein (p.Gly456Glu). This variant is present in population databases (rs770523886, gnomAD 0.0009%). This variant has not been reported in the literature in individuals affected with KCNQ2-related conditions. ClinVar contains an entry for this variant (Variation ID: 1992291). Invitae Evidence Modeling of protein sequence and biophysical properties (such as structural, functional, and spatial information, amino acid conservation, physicochemical variation, residue mobility, and thermodynamic stability) indicates that this missense variant is expected to disrupt KCNQ2 protein function with a positive predictive value of 95%. In summary, the available evidence is currently insufficient to determine the role of this variant in disease. Therefore, it has been classified as a Variant of Uncertain Significance.

NM_172107.4(KCNQ2):c.1367G>A (p.Gly456Glu)

Gene: KCNQ2 (potassium voltage-gated channel subfamily Q member 2; minus strand). Cytogenetic location: 20q13.33.
Variant type: single nucleotide variant.
Coding change: c.1367G>A on transcript NM_172107.4 (MANE Select); coding-DNA position 1367, G replaced by A.
Protein change: p.Gly456Glu; replaces glycine 456 with glutamic acid.
Molecular consequence: missense variant.
Genome position (GRCh38, 1-based): chr20:63,415,061, C>T on the plus strand (G>A on the coding strand, the complement: KCNQ2 is on the minus strand). VCF-style: chr20-63415061-C-T. GRCh37 (hg19) VCF-style: chr20-62046414-C-T.
Other names: c.1313G>A, p.Gly438Glu (NM_001382235.1, NM_172106.3); c.1283G>A, p.Gly428Glu (NM_004518.6); c.1277G>A, p.Gly426Glu (NM_172108.5); short protein forms G438E, G426E, G428E, G456E.
Identifiers: ClinVar variation 1992291 (VCV001992291.4), dbSNP rs770523886, ClinGen allele CA9958465.